The following is an entry in ClinVar:

ClinVar aggregate classification (germline): Uncertain significance (1 of 4 stars; one submission).

Allele frequency attached by ClinVar (database versions not stated): TOPMed 0.00002.

Submission:

Labcorp Genetics (formerly Invitae), Labcorp
Classification: Uncertain significance. Last evaluated: 2017-06-12. Review status: criteria provided, single submitter. Criteria: Invitae Variant Classification Sherloc (09022015). Collection method: clinical testing. Allele origin: germline.
Comment: This sequence change replaces glutamic acid with lysine at codon 469 of the DLG3 protein (p.Glu469Lys). The glutamic acid residue is highly conserved and there is a small physicochemical difference between glutamic acid and lysine. This variant also falls at the last nucleotide of exon 9 of the DLG3 coding sequence, which is part of the consensus splice site for this exon. Nucleotide substitutions within the consensus splice site are relatively common causes of aberrant splicing (PMID: 17576681, 9536098). In summary, the available evidence is currently insufficient to determine the role of this variant in disease. Therefore, it has been classified as a Variant of Uncertain Significance. Algorithms developed to predict the effect of sequence changes on RNA splicing suggest that this variant may disrupt the consensus splice site, but this prediction has not been confirmed by published transcriptional studies. Algorithms developed to predict the effect of missense changes on protein structure and function (SIFT, PolyPhen-2, Align-GVGD) all suggest that this variant is likely to be disruptive, but these predictions have not been confirmed by published functional studies and their clinical significance is uncertain. This variant has not been reported in the literature in individuals with DLG3-related disease. This variant is not present in population databases (ExAC no frequency).

Literature cited by the submitters: PubMed 17576681; PubMed 9536098.

NM_021120.4(DLG3):c.1405G>A (p.Glu469Lys)

Genes: DLG3 (discs large MAGUK scaffold protein 3; plus strand), DLG3-AS1 (DLG3 antisense RNA 1; minus strand). Cytogenetic location: Xq13.1.
Variant type: single nucleotide variant.
Coding change: c.1405G>A on transcript NM_021120.4 (MANE Select); coding-DNA position 1405, G replaced by A.
Protein change: p.Glu469Lys; replaces glutamic acid 469 with lysine.
Molecular consequence: missense variant.
Genome position (GRCh38, 1-based): chrX:70,454,316, G>A. VCF-style: chrX-70454316-G-A. GRCh37 (hg19) VCF-style: chrX-69674166-G-A.
Other names: c.394G>A, p.Glu132Lys (NM_020730.3); short protein forms E132K, E469K.
Identifiers: ClinVar variation 1020621 (VCV001020621.8), dbSNP rs1373266091, ClinGen allele CA413456828.